The following is an entry in ClinVar:

NM_001165963.4(SCN1A):c.2210G>A (p.Cys737Tyr)

Gene: SCN1A (sodium voltage-gated channel alpha subunit 1; minus strand). Cytogenetic location: 2q24.3.
Variant type: single nucleotide variant.
Coding change: c.2210G>A on transcript NM_001165963.4 (MANE Select); coding-DNA position 2210, G replaced by A.
Protein change: p.Cys737Tyr; replaces cysteine 737 with tyrosine.
Molecular consequence: missense variant. On other transcripts: 5 prime UTR variant (1), non-coding transcript variant (1).
Genome position (GRCh38, 1-based): chr2:166,041,436, C>T on the plus strand (G>A on the coding strand, the complement: SCN1A is on the minus strand). VCF-style: chr2-166041436-C-T. GRCh37 (hg19) VCF-style: chr2-166897946-C-T.
Other names: c.2126G>A, p.Cys709Tyr (NM_001165964.3, NM_001353957.2, NM_001353958.2); c.2210G>A, p.Cys737Tyr (NM_001202435.3, NM_001353948.2); c.2177G>A, p.Cys726Tyr (NM_001353949.2, NM_001353950.2, NM_001353951.2 and 2 more transcripts); c.2174G>A, p.Cys725Tyr (NM_001353954.2, NM_001353955.2); c.2123G>A, p.Cys708Tyr (NM_001353960.2); c.-249G>A (NM_001353961.2); short protein forms C708Y, C709Y, C725Y, C726Y, C737Y.
Identifiers: ClinVar variation 4681347 (VCV004681347.5).

ClinVar aggregate classification (germline): Uncertain significance (1 of 4 stars; one submission).

Submission:

CeGaT Center for Human Genetics Tuebingen
Classification: Uncertain significance. Last evaluated: 2025-12-01. Review status: criteria provided, single submitter. Criteria: CeGaT Center For Human Genetics Tuebingen Variant Classification Criteria Version 2. Collection method: clinical testing. Allele origin: germline. Affected: yes. Observed: 1 variant allele.
Comment: SCN1A: PM2, PP3